The following is an entry in ClinVar:

NM_015559.3(SETBP1):c.1526G>A (p.Cys509Tyr)

Gene: SETBP1 (SET binding protein 1; plus strand). Cytogenetic location: 18q12.3.
Variant type: single nucleotide variant.
Coding change: c.1526G>A on transcript NM_015559.3 (MANE Select); coding-DNA position 1526, G replaced by A.
Protein change: p.Cys509Tyr; replaces cysteine 509 with tyrosine.
Molecular consequence: missense variant.
Genome position (GRCh38, 1-based): chr18:44,950,866, G>A. VCF-style: chr18-44950866-G-A. GRCh37 (hg19) VCF-style: chr18-42530831-G-A.
Other names: c.1526G>A, p.Cys509Tyr (NM_001379141.1, NM_001379142.1, NM_001410862.1); short protein forms C509Y.
Identifiers: ClinVar variation 2995800 (VCV002995800.3), dbSNP rs759880537, ClinGen allele CA8945636.
Genomic context (GRCh38, chr18:44,950,866, plus strand): 5'-TTATCCCAGGAGGTGTGTCTAAGCCGCGGAAGCCACCCATGGTCATGACACCTCCAACGT[G>A]CACAGATCACTCTCCATCCAGAAAGCTGCCAGAAATCCAGCATCCAAAATTTGCTGCAAA-3'
Protein context (NP_056374.2, residues 499-519): KPPMVMTPPT[Cys509Tyr]TDHSPSRKLP

ClinVar aggregate classification (germline): Uncertain significance (1 of 4 stars; one submission).

Allele frequency attached by ClinVar (database versions not stated): ExAC 0.00001; gnomAD exomes 0.00001.
gnomAD v4.1: 5 of 1,614,148 alleles (0.00031%); highest among the groups gnomAD compares: South Asian, 0.0055%; no homozygotes.

Submission:

Labcorp Genetics (formerly Invitae), Labcorp
Classification: Uncertain significance. Last evaluated: 2023-07-09. Review status: criteria provided, single submitter. Criteria: Invitae Variant Classification Sherloc (09022015). Collection method: clinical testing. Allele origin: germline.
Comment: In summary, the available evidence is currently insufficient to determine the role of this variant in disease. Therefore, it has been classified as a Variant of Uncertain Significance. Advanced modeling of protein sequence and biophysical properties (such as structural, functional, and spatial information, amino acid conservation, physicochemical variation, residue mobility, and thermodynamic stability) performed at Invitae indicates that this missense variant is not expected to disrupt SETBP1 protein function. This variant has not been reported in the literature in individuals affected with SETBP1-related conditions. This variant is present in population databases (rs759880537, gnomAD 0.003%). This sequence change replaces cysteine, which is neutral and slightly polar, with tyrosine, which is neutral and polar, at codon 509 of the SETBP1 protein (p.Cys509Tyr).